The following is an entry in ClinVar:

NM_000520.6(HEXA):c.421_422insAGGAGCC (p.Thr141fs)

Gene: HEXA (hexosaminidase subunit alpha; minus strand). Cytogenetic location: 15q23.
Variant type: Insertion.
Coding change: c.421_422insAGGAGCC on transcript NM_000520.6 (MANE Select); coding-DNA positions 421 to 422, AGGAGCC inserted.
Protein change: p.Thr141fs; shifts the reading frame from threonine 141.
Molecular consequence: frameshift variant. On other transcripts: non-coding transcript variant (1).
Genome position: GRCh38 VCF-style: chr15-72353728-G-GGGCTCCT. GRCh37 (hg19) VCF-style: chr15-72646069-G-GGGCTCCT.
Other names: c.454_455insAGGAGCC, p.Thr152fs (NM_001318825.2); short protein forms T141fs, T152fs.
Identifiers: ClinVar variation 1725116 (VCV001725116.2), dbSNP rs2542534160, ClinGen allele CA2580089974.

ClinVar aggregate classification (germline): Likely pathogenic (1 of 4 stars; one submission).

Conditions:
Tay-Sachs disease (TSD). Also called: GM2 gangliosidosis, type 1; Hexosaminidase alpha-subunit deficiency (variant B); Sphingolipidosis, Tay-Sachs; Hexosaminidase A Deficiency; HEXA DEFICIENCY; HEXA Disorders. Identifiers: Orphanet 845, MedGen C0039373, MONDO:0010100, OMIM 272800.

Submission:

Myriad Genetics, Inc.
Classification: Likely pathogenic for Tay-Sachs disease. Last evaluated: 2022-03-08. Review status: criteria provided, single submitter. Criteria: Myriad Women's Health Autosomal Recessive and X-Linked Classification Criteria (2021). Collection method: clinical testing. Allele origin: unknown.
Comment: NM_000520.4(HEXA):c.421_422ins7(T141Kfs*5) is expected to be pathogenic in the context of hexosaminidase A deficiency. This variant is predicted to lead to an abnormal or absent protein product due to the creation of a premature termination codon in HEXA, a gene where loss-of-function variants are known to be pathogenic. Please note: this variant was assessed in the context of healthy population screening.